The following is an entry in ClinVar:

NM_001371395.1(USP53):c.3015C>T (p.Asn1005=)

Gene: USP53 (ubiquitin specific peptidase 53; plus strand). Cytogenetic location: 4q26.
Variant type: single nucleotide variant.
Coding change: c.3015C>T on transcript NM_001371395.1 (MANE Select); coding-DNA position 3015, C replaced by T.
Protein change: p.Asn1005=; no amino-acid change (asparagine 1005 retained).
Molecular consequence: synonymous variant. On other transcripts: 3 prime UTR variant (4).
Genome position (GRCh38, 1-based): chr4:119,293,004, C>T. VCF-style: chr4-119293004-C-T. GRCh37 (hg19) VCF-style: chr4-120214159-C-T.
Other names: c.2862C>T, p.Asn954= (NM_001371396.1, NM_001389661.1); c.*515C>T (NM_001371397.1, NM_001371398.1, NM_001389666.1 and 1 more transcripts); c.3015C>T, p.Asn1005= (NM_001371399.1, NM_001389658.1, NM_001389659.1 and 1 more transcripts); c.2865C>T, p.Asn955= (NM_001389660.1); c.2667C>T, p.Asn889= (NM_001389662.1, NM_001389663.1, NM_001389664.1); c.2514C>T, p.Asn838= (NM_001389665.1).
Identifiers: ClinVar variation 2039754 (VCV002039754.28), dbSNP rs113769565, ClinGen allele CA3059489.

ClinVar aggregate classification (germline): Benign/Likely benign. Review status: criteria provided, multiple submitters, no conflicts (2 of 4 stars). 2 submissions from 2 submitters: Benign (1); Likely benign (1). Last evaluated 2026-02-01.

Allele frequency attached by ClinVar (database versions not stated): 1000 Genomes Project 0.00359; 1000 Genomes Project 30x 0.00406; gnomAD 0.00602; TOPMed 0.00612; ESP Exome Variant Server 0.00759; ExAC 0.00808.

Submissions (2):

CeGaT Center for Human Genetics Tuebingen
Classification: Likely benign. Last evaluated: 2026-02-01. Review status: criteria provided, single submitter. Criteria: CeGaT Center For Human Genetics Tuebingen Variant Classification Criteria Version 2. Collection method: clinical testing. Allele origin: germline. Affected: yes. Observed: 5 variant alleles.
Comment: USP53: BP4, BP7, BS2

Labcorp Genetics (formerly Invitae), Labcorp
Classification: Benign. Last evaluated: 2026-01-26. Review status: criteria provided, single submitter. Criteria: Invitae Variant Classification Sherloc (09022015). Collection method: clinical testing. Allele origin: germline.